The following is an entry in ClinVar:

ClinVar aggregate classification (germline): Uncertain significance. Review status: criteria provided, multiple submitters, no conflicts (2 of 4 stars). 2 submissions from 2 submitters: Uncertain significance (2). Last evaluated 2024-11-15.

Conditions:
Inborn genetic diseases. Identifiers: MedGen C0950123, MeSH D030342.
Developmental and epileptic encephalopathy, 23 (DEE23). Also called: Epileptic encephalopathy, early infantile, 23. Identifiers: Orphanet 411986, MedGen C4014492, MONDO:0014371, OMIM 615859.

Allele frequency attached by ClinVar (database versions not stated): ExAC 0.00002; TOPMed 0.00002; gnomAD 0.00003; gnomAD exomes 0.00004 and 0.00001.
gnomAD v4.1: 18 of 1,607,890 alleles (0.0011%); highest among the groups gnomAD compares: East Asian, 0.031%; no homozygotes.

Submissions (2):

Ambry Genetics
Classification: Uncertain significance for Inborn genetic diseases. Last evaluated: 2024-11-15. Review status: criteria provided, single submitter. Criteria: Ambry Variant Classification Scheme 2023. Collection method: clinical testing. Allele origin: germline.

Labcorp Genetics (formerly Invitae), Labcorp
Classification: Uncertain significance for Developmental and epileptic encephalopathy, 23. Last evaluated: 2023-08-31. Review status: criteria provided, single submitter. Criteria: Invitae Variant Classification Sherloc (09022015). Collection method: clinical testing. Allele origin: germline.
Comment: In summary, the available evidence is currently insufficient to determine the role of this variant in disease. Therefore, it has been classified as a Variant of Uncertain Significance. Advanced modeling of protein sequence and biophysical properties (such as structural, functional, and spatial information, amino acid conservation, physicochemical variation, residue mobility, and thermodynamic stability) performed at Invitae indicates that this missense variant is not expected to disrupt DOCK7 protein function. ClinVar contains an entry for this variant (Variation ID: 937813). This variant has not been reported in the literature in individuals affected with DOCK7-related conditions. This variant is present in population databases (rs748056693, gnomAD 0.05%). This sequence change replaces histidine, which is basic and polar, with glutamine, which is neutral and polar, at codon 1263 of the DOCK7 protein (p.His1263Gln).

NM_001367561.1(DOCK7):c.3789C>A (p.His1263Gln)

Gene: DOCK7 (dedicator of cytokinesis 7; minus strand). Cytogenetic location: 1p31.3.
Variant type: single nucleotide variant.
Coding change: c.3789C>A on transcript NM_001367561.1 (MANE Select); coding-DNA position 3789, C replaced by A.
Protein change: p.His1263Gln; replaces histidine 1263 with glutamine.
Molecular consequence: missense variant.
Genome position (GRCh38, 1-based): chr1:62,528,298, G>T on the plus strand (C>A on the coding strand, the complement: DOCK7 is on the minus strand). VCF-style: chr1-62528298-G-T. GRCh37 (hg19) VCF-style: chr1-62993969-G-T.
Other names: c.3789C>A, p.His1263Gln (NM_001271999.2, NM_001330614.2); c.3696C>A, p.His1232Gln (NM_001272000.2, NM_001272001.2, NM_033407.4); c.3696C>A (NM_033407.2); short protein forms H1232Q, H1263Q.
Identifiers: ClinVar variation 937813 (VCV000937813.11), dbSNP rs748056693, ClinGen allele CA885879.